The following is an entry in ClinVar:

ClinVar aggregate classification (germline): Likely pathogenic (1 of 4 stars; one submission).

Conditions:
Histiocytic medullary reticulosis. Also called: SEVERE COMBINED IMMUNODEFICIENCY WITH HYPEREOSINOPHILIA; Omenn syndrome. Identifiers: Orphanet 39041, MedGen C2700553, MONDO:0011338, OMIM 603554.

Submission:

Institute of Human Genetics, University of Leipzig Medical Center
Classification: Likely pathogenic for Histiocytic medullary reticulosis. Last evaluated: 2026-01-05. Review status: criteria provided, single submitter. Criteria: ACMG Guidelines, 2015. Collection method: clinical testing. Allele origin: maternal. Affected: yes.
Comment: Criteria applied: PS3_SUP, PM3, PM2_SUP, PP4_MOD, PP1

NM_001033855.3(DCLRE1C):c.377G>A (p.Gly126Asp)

Gene: DCLRE1C (DNA cross-link repair 1C; minus strand). Cytogenetic location: 10p13.
Variant type: single nucleotide variant.
Coding change: c.377G>A on transcript NM_001033855.3 (MANE Select); coding-DNA position 377, G replaced by A.
Protein change: p.Gly126Asp; replaces glycine 126 with aspartic acid.
Molecular consequence: missense variant. On other transcripts: non-coding transcript variant (4).
Genome position (GRCh38, 1-based): chr10:14,935,550, C>T on the plus strand (G>A on the coding strand, the complement: DCLRE1C is on the minus strand). VCF-style: chr10-14935550-C-T. GRCh37 (hg19) VCF-style: chr10-14977549-C-T.
Other names: c.17G>A, p.Gly6Asp (NM_001033857.3, NM_001033858.3, NM_001289077.2 and 2 more transcripts); c.32G>A, p.Gly11Asp (NM_001289076.2, NM_001289078.2, NM_001350966.2 and 1 more transcripts); c.377G>A, p.Gly126Asp (NM_001350965.2); short protein forms G11D, G126D, G6D.
Identifiers: ClinVar variation 4533307 (VCV004533307.2).